The following is an entry in ClinVar:

NM_032043.3(BRIP1):c.1509A>C (p.Lys503Asn)

Gene: BRIP1 (BRCA1 interacting DNA helicase 1; minus strand). Cytogenetic location: 17q23.2.
Variant type: single nucleotide variant.
Coding change: c.1509A>C on transcript NM_032043.3 (MANE Select); coding-DNA position 1509, A replaced by C.
Protein change: p.Lys503Asn; replaces lysine 503 with asparagine.
Molecular consequence: missense variant.
Genome position (GRCh38, 1-based): chr17:61,784,389, T>G on the plus strand (A>C on the coding strand, the complement: BRIP1 is on the minus strand). VCF-style: chr17-61784389-T-G. GRCh37 (hg19) VCF-style: chr17-59861750-T-G.
Other names: short protein forms K503N.
Identifiers: ClinVar variation 479423 (VCV000479423.20), dbSNP rs1443429619, ClinGen allele CA400481373.

ClinVar aggregate classification (germline): Uncertain significance. Review status: criteria provided, multiple submitters, no conflicts (2 of 4 stars). 6 submissions from 6 submitters: Uncertain significance (6). Last evaluated 2025-11-26.

Conditions:
Fanconi anemia complementation group J. Also called: BRIP1-Related Fanconi Anemia. Identifiers: Orphanet 84, MedGen C1836860, MONDO:0012187, OMIM 609054.
Familial cancer of breast. Also called: BREAST CANCER, FAMILIAL; Hereditary breast cancer; hereditary breast carcinoma. Identifiers: Orphanet 227535, MedGen C0346153, MONDO:0016419, OMIM 114480. Disease mechanism: loss of function.
Hereditary cancer-predisposing syndrome. Also called: Tumor predisposition; Neoplastic Syndromes, Hereditary; Hereditary Cancer Syndrome; Hereditary neoplastic syndrome. Identifiers: Orphanet 140162, MedGen C0027672, MeSH D009386, MONDO:0015356.

Allele frequency attached by ClinVar (database versions not stated): TOPMed below 0.00001.
gnomAD v4.1: 3 of 1,613,432 alleles (0.00019%); highest among the groups gnomAD compares: Admixed American, 0.0017%; no homozygotes.

Submissions (6):

Labcorp Genetics (formerly Invitae), Labcorp
Classification: Uncertain significance for Familial cancer of breast; Fanconi anemia complementation group J. Last evaluated: 2025-11-26. Review status: criteria provided, single submitter. Criteria: Invitae Variant Classification Sherloc (09022015). Collection method: clinical testing. Allele origin: germline.
Comment: This sequence change replaces lysine, which is basic and polar, with asparagine, which is neutral and polar, at codon 503 of the BRIP1 protein (p.Lys503Asn). This variant is present in population databases (no rsID available, gnomAD 0.003%). This variant has not been reported in the literature in individuals affected with BRIP1-related conditions. ClinVar contains an entry for this variant (Variation ID: 479423). Invitae Evidence Modeling of protein sequence and biophysical properties (such as structural, functional, and spatial information, amino acid conservation, physicochemical variation, residue mobility, and thermodynamic stability) indicates that this missense variant is not expected to disrupt BRIP1 protein function with a negative predictive value of 95%. In summary, the available evidence is currently insufficient to determine the role of this variant in disease. Therefore, it has been classified as a Variant of Uncertain Significance.

Color Diagnostics, LLC DBA Color Health
Classification: Uncertain significance for Hereditary cancer-predisposing syndrome. Last evaluated: 2025-03-24. Review status: criteria provided, single submitter. Criteria: ACMG Guidelines, 2015. Collection method: clinical testing. Allele origin: germline.
Comment: This missense variant replaces lysine with asparagine at codon 503 of the BRIP1 protein. Computational prediction suggests that this variant may not impact protein structure and function (internally defined REVEL score threshold <= 0.5, PMID: 27666373). To our knowledge, functional studies have not been reported for this variant. This variant has not been reported in individuals affected with BRIP1-related disorders in the literature. This variant has been identified in 2/251360 chromosomes in the general population by the Genome Aggregation Database (gnomAD). The available evidence is insufficient to determine the role of this variant in disease conclusively. Therefore, this variant is classified as a Variant of Uncertain Significance.

Ambry Genetics
Classification: Uncertain significance for Hereditary cancer-predisposing syndrome. Last evaluated: 2024-06-30. Review status: criteria provided, single submitter. Criteria: Ambry Variant Classification Scheme 2023. Collection method: clinical testing. Allele origin: germline.
Comment: The p.K503N variant (also known as c.1509A>C), located in coding exon 10 of the BRIP1 gene, results from an A to C substitution at nucleotide position 1509. The lysine at codon 503 is replaced by asparagine, an amino acid with similar properties. This amino acid position is well conserved in available vertebrate species. In addition, this alteration is predicted to be tolerated by in silico analysis. Since supporting evidence is limited at this time, the clinical significance of this alteration remains unclear.

St. Jude Molecular Pathology, St. Jude Children's Research Hospital
Classification: Uncertain significance for Fanconi anemia complementation group J. Last evaluated: 2024-04-26. Review status: criteria provided, single submitter. Criteria: St. Jude Assertion Criteria 2020. Collection method: clinical testing. Allele origin: germline.

Baylor Genetics
Classification: Uncertain significance for Familial cancer of breast. Last evaluated: 2024-01-31. Review status: criteria provided, single submitter. Criteria: ACMG Guidelines, 2015. Collection method: clinical testing. Allele origin: unknown.

Quest Diagnostics Nichols Institute San Juan Capistrano
Classification: Uncertain significance. Last evaluated: 2021-05-28. Review status: criteria provided, single submitter. Criteria: Quest Diagnostics criteria. Collection method: clinical testing. Allele origin: unknown.